The following is an entry in ClinVar:

ClinVar aggregate classification (germline): Uncertain significance (1 of 4 stars; one submission).

Conditions:
Hereditary nonpolyposis colorectal neoplasms. Identifiers: MedGen C0009405, MeSH D003123.

Submission:

Labcorp Genetics (formerly Invitae), Labcorp
Classification: Uncertain significance for Hereditary nonpolyposis colorectal neoplasms. Last evaluated: 2024-03-19. Review status: criteria provided, single submitter. Criteria: Invitae Variant Classification Sherloc (09022015). Collection method: clinical testing. Allele origin: germline.
Comment: This sequence change replaces aspartic acid, which is acidic and polar, with glutamic acid, which is acidic and polar, at codon 576 of the MSH6 protein (p.Asp576Glu). This variant is not present in population databases (gnomAD no frequency). This variant has not been reported in the literature in individuals affected with MSH6-related conditions. Advanced modeling of protein sequence and biophysical properties (such as structural, functional, and spatial information, amino acid conservation, physicochemical variation, residue mobility, and thermodynamic stability) has been performed at Invitae for this missense variant, however the output from this modeling did not meet the statistical confidence thresholds required to predict the impact of this variant on MSH6 protein function. In summary, the available evidence is currently insufficient to determine the role of this variant in disease. Therefore, it has been classified as a Variant of Uncertain Significance.

NM_000179.3(MSH6):c.1728T>G (p.Asp576Glu)

Gene: MSH6 (mutS homolog 6; plus strand). Cytogenetic location: 2p16.3.
Variant type: single nucleotide variant.
Coding change: c.1728T>G on transcript NM_000179.3 (MANE Select); coding-DNA position 1728, T replaced by G.
Protein change: p.Asp576Glu; replaces aspartic acid 576 with glutamic acid.
Molecular consequence: missense variant. On other transcripts: non-coding transcript variant (4), intron variant (2).
Genome position (GRCh38, 1-based): chr2:47,799,711, T>G. VCF-style: chr2-47799711-T-G. GRCh37 (hg19) VCF-style: chr2-48026850-T-G.
Other names: c.822T>G, p.Asp274Glu (NM_001406811.1, NM_001406812.1, NM_001406814.1 and 6 more transcripts); c.1734T>G, p.Asp578Glu (NM_001406813.1); c.1431T>G, p.Asp477Glu (NM_001406818.1, NM_001406819.1, NM_001406820.1 and 10 more transcripts); c.1338T>G, p.Asp446Glu (NM_001281492.2); c.1824T>G, p.Asp608Glu (NM_001406795.1, NM_001406802.1); c.1728T>G, p.Asp576Glu (NM_001406796.1, NM_001406798.1, NM_001406800.1 and 3 more transcripts); c.1203T>G, p.Asp401Glu (NM_001406799.1, NM_001406806.1, NM_001406807.1); c.1650T>G, p.Asp550Glu (NM_001406804.1); and 3 more; short protein forms D477E, D520E, D576E, D274E, D401E, D578E, D446E, D550E.
Identifiers: ClinVar variation 3633938 (VCV003633938.2).
Genomic context (GRCh38, chr2:47,799,711, plus strand): 5'-TGGTGTGTGCTTTGTTGATACTTCACTGGGAAAGTTTTTCATAGGTCAGTTTTCAGATGA[T>G]CGCCATTGTTCGAGATTTAGGACTCTAGTGGCACACTATCCCCCAGTACAAGTTTTATTT-3'
Protein context (NP_000170.1, residues 566-586): GKFFIGQFSD[Asp576Glu]RHCSRFRTLV